The following is an entry in ClinVar:

ClinVar aggregate classification (germline): Likely benign (1 of 4 stars; one submission).

Conditions:
DST-related disorder. Also called: DST-related condition; DST-related disorders.

gnomAD v4.1: 2 of 1,578,808 alleles (0.00013%); highest among the groups gnomAD compares: Non-Finnish European, 0.00017%; no homozygotes.

Submission:

PreventionGenetics, part of Exact Sciences
Classification: Likely benign for DST-related condition. Last evaluated: 2026-04-28. Review status: criteria provided, single submitter. Criteria: ACMG Guidelines, 2015. Collection method: clinical testing. Allele origin: germline.
Comment: This variant is classified as likely benign based on ACMG/AMP sequence variant interpretation guidelines (Richards et al. 2015 PMID: 25741868, with internal and published modifications).

NM_001374736.1(DST):c.17601G>C (p.Leu5867=)

Gene: DST (dystonin; minus strand). Cytogenetic location: 6p12.1.
Variant type: single nucleotide variant.
Coding change: c.17601G>C on transcript NM_001374736.1 (MANE Select); coding-DNA position 17601, G replaced by C.
Protein change: p.Leu5867=; no amino-acid change (leucine 5867 retained).
Molecular consequence: synonymous variant.
Genome position (GRCh38, 1-based): chr6:56,528,920, C>G on the plus strand (G>C on the coding strand, the complement: DST is on the minus strand). VCF-style: chr6-56528920-C-G. GRCh37 (hg19) VCF-style: chr6-56393718-C-G.
Other names: c.11244G>C, p.Leu3748= (NM_001144769.5); c.10830G>C, p.Leu3610= (NM_001144770.2); c.17601G>C, p.Leu5867= (NM_001374722.1); c.16641G>C, p.Leu5547= (NM_001374729.1); c.10383G>C, p.Leu3461= (NM_001374730.1); c.17628G>C, p.Leu5876= (NM_001374734.1); c.10710G>C, p.Leu3570= (NM_001386100.1, NM_183380.4); c.9732G>C, p.Leu3244= (NM_015548.5).
Identifiers: ClinVar variation 4983560 (VCV004983560.1).